The following is an entry in ClinVar:

ClinVar aggregate classification (germline): Likely pathogenic (1 of 4 stars; one submission).

Conditions:
Mucopolysaccharidosis type 7 (MPS7). Also called: GUSB DEFICIENCY; SLY SYNDROME; MPS VII; BETA-GLUCURONIDASE DEFICIENCY. Identifiers: Orphanet 584, MedGen C0085132, MONDO:0009662, OMIM 253220.

Submission:

New York Genome Center
Classification: Likely pathogenic for Mucopolysaccharidosis type 7. Last evaluated: 2024-10-17. Review status: criteria provided, single submitter. Criteria: NYGC Assertion Criteria 2020. Collection method: clinical testing. Allele origin: inherited. Affected: yes. Observed: 1 variant allele, 1 compound heterozygote.
Comment: The c.1031A>T variant in GUSB has not previously been reported in the literature or publicly available variant repositories (ClinVar). The c.1031A>T variant is not observed in gnomAD v4.1.0, suggesting it is not a common benign variant in the populations represented in that dataset. The c.1031A>T variant in GUSB is located inexon 6 of this 12-exon gene and predicted to replace an evolutionarily conserved tyrosine amino acid with phenylalanine at position 344 (p.(Tyr344Phe)) within the Glycosyl hydrolases family 2, TIM barrel domain of the encoded protein [UniProt ID: P08236]. In silico predictions are in favor of damaging effect for the p.(Tyr344Phe)variant [CADD v1.6 = 25.8, REVEL = 0.882]; however, functional studies to support or refute these predictions have not been performed. An alternate missense variant affecting the same residue 344 (p.(Tyr344Cys)) has been reported pathogenic in a fetus with recurrent non-immune hydrops fetalis with positive GUSB enzyme assayfrom fetal cord blood [PMID: 36964991]. Based on available evidence the c.1031A>T p.(Tyr344Phe) variant identified in GUSB is classified as Likely Pathogenic.

NM_000181.4(GUSB):c.1031A>T (p.Tyr344Phe)

Gene: GUSB (glucuronidase beta; minus strand). Cytogenetic location: 7q11.21.
Variant type: single nucleotide variant.
Coding change: c.1031A>T on transcript NM_000181.4 (MANE Select); coding-DNA position 1031, A replaced by T.
Protein change: p.Tyr344Phe; replaces tyrosine 344 with phenylalanine.
Molecular consequence: missense variant. On other transcripts: non-coding transcript variant (1).
Genome position (GRCh38, 1-based): chr7:65,974,953, T>A on the plus strand (A>T on the coding strand, the complement: GUSB is on the minus strand). VCF-style: chr7-65974953-T-A. GRCh37 (hg19) VCF-style: chr7-65439940-T-A.
Other names: c.593A>T, p.Tyr198Phe (NM_001284290.2); c.461A>T, p.Tyr154Phe (NM_001293104.2); c.374A>T, p.Tyr125Phe (NM_001293105.2); short protein forms Y125F, Y154F, Y198F, Y344F.
Identifiers: ClinVar variation 4888382 (VCV004888382.1).